The following is an entry in ClinVar:

NM_000238.4(KCNH2):c.2145+40G>A

Gene: KCNH2 (potassium voltage-gated channel subfamily H member 2; minus strand). Cytogenetic location: 7q36.1.
Variant type: single nucleotide variant.
Coding change: c.2145+40G>A on transcript NM_000238.4 (MANE Select); 40 bases into the intron after coding-DNA position 2145, G replaced by A.
Molecular consequence: intron variant.
Genome position (GRCh38, 1-based): chr7:150,950,881, C>T on the plus strand (G>A on the coding strand, the complement: KCNH2 is on the minus strand). VCF-style: chr7-150950881-C-T. GRCh37 (hg19) VCF-style: chr7-150647969-C-T.
Other names: c.1857+40G>A (NM_001406753.1, NM_001406756.1); c.1125+40G>A (NM_172057.3, NM_001204798.2); c.2145+40G>A (NM_172056.3, NM_000238.3); c.1968+40G>A (NM_001406755.1); c.1845+40G>A (NM_001406757.1).
Identifiers: ClinVar variation 671018 (VCV000671018.5), dbSNP rs2072413, ClinGen allele CA030942.
Genomic context (GRCh38, chr7:150,950,881, plus strand): 5'-CTGTGACCGCCTGAGACTTGTTTGCTGTGCCAAGAGGTTCCCCTCTGCCACCCCACTCTT[C>T]CCAGCCTGCCACCCACTGGCCACGCTCTGGTGGCCTCACCGCGTTCATGTCGATGCCGTT-3'

ClinVar aggregate classification (germline): Benign. Review status: criteria provided, multiple submitters, no conflicts (2 of 4 stars). 3 submissions from 3 submitters: Benign (3). Last evaluated 2026-09-21.

Allele frequency attached by ClinVar (database versions not stated): ESP Exome Variant Server 0.25750; 1000 Genomes Project 0.27376; TOPMed 0.27665; gnomAD 0.27666 and 0.27948; gnomAD exomes 0.23621 and 0.26083; 1000 Genomes Project 30x 0.27608; ExAC 0.24378.
gnomAD v4.1: 419,848 of 1,599,804 alleles (26%); highest among the groups gnomAD compares: African/African-American, 35%; 56,872 homozygotes.

Submissions (3):

Molecular Diagnostic Laboratory for Inherited Cardiovascular Disease, Montreal Heart Institute
Classification: Benign. Last evaluated: 2026-09-21. Review status: criteria provided, single submitter. Criteria: ACMG Guidelines, 2015. Collection method: clinical testing. Allele origin: germline. Affected: no.

GeneDx
Classification: Benign. Last evaluated: 2018-06-14. Review status: criteria provided, single submitter. Criteria: GeneDx Variant Classification (06012015). Collection method: clinical testing. Allele origin: germline. Affected: yes.
Comment: This variant is considered likely benign or benign based on one or more of the following criteria: it is a conservative change, it occurs at a poorly conserved position in the protein, it is predicted to be benign by multiple in silico algorithms, and/or has population frequency not consistent with disease.

Breakthrough Genomics
Classification: Benign. Review status: criteria provided, single submitter. Criteria: ACMG Guidelines, 2015. Collection method: not provided. Allele origin: germline. Inheritance: Autosomal dominant inheritance. Affected: yes.